The following is an entry in ClinVar:

NM_016239.4(MYO15A):c.3121C>G (p.Pro1041Ala)

Gene: MYO15A (myosin XVA; plus strand). Cytogenetic location: 17p11.2.
Variant type: single nucleotide variant.
Coding change: c.3121C>G on transcript NM_016239.4 (MANE Select); coding-DNA position 3121, C replaced by G.
Protein change: p.Pro1041Ala; replaces proline 1041 with alanine.
Molecular consequence: missense variant.
Genome position (GRCh38, 1-based): chr17:18,121,921, C>G. VCF-style: chr17-18121921-C-G. GRCh37 (hg19) VCF-style: chr17-18025235-C-G.
Other names: short protein forms P1041A.
Identifiers: ClinVar variation 3572592 (VCV003572592.1).
Genomic context (GRCh38, chr17:18,121,921, plus strand): 5'-CCCCAGCTGCCAGCAGAGACCAAGCCTCCAACCCCAGCACCTCCCAAGGATGTCACTCCC[C>G]CCAAGGATATCACTCCCCCCAAGGATGTCCTCCCAGAGCAAAAGACATTAAGGCCCAGCC-3'
Protein context (NP_057323.3, residues 1031-1051): TPAPPKDVTP[Pro1041Ala]KDITPPKDVL

ClinVar aggregate classification (germline): Uncertain significance (1 of 4 stars; one submission).

gnomAD v4.1: 3 of 1,613,140 alleles (0.00019%); highest among the groups gnomAD compares: Non-Finnish European, 0.00025%; no homozygotes.

Submission:

GeneDx
Classification: Uncertain significance. Last evaluated: 2024-07-10. Review status: criteria provided, single submitter. Criteria: GeneDx Variant Classification Process June 2021. Collection method: clinical testing. Allele origin: germline. Affected: yes.
Comment: Not observed at significant frequency in large population cohorts (gnomAD); In silico analysis indicates that this missense variant does not alter protein structure/function; Has not been previously published as pathogenic or benign to our knowledge